The following is an entry in ClinVar:

ClinVar aggregate classification (germline): Likely benign (1 of 4 stars; one submission).

Allele frequency attached by ClinVar (database versions not stated): TOPMed 0.00004; ExAC 0.00008; gnomAD 0.00010; gnomAD exomes 0.00014.
gnomAD v4.1: 161 of 1,210,367 alleles (0.013%); highest among the groups gnomAD compares: Non-Finnish European, 0.017%; no homozygotes.

Submission:

CeGaT Center for Human Genetics Tuebingen
Classification: Likely benign. Last evaluated: 2023-08-01. Review status: criteria provided, single submitter. Criteria: CeGaT Center For Human Genetics Tuebingen Variant Classification Criteria Version 2. Collection method: clinical testing. Allele origin: germline. Affected: yes. Observed: 1 variant allele.
Comment: GLUD2: BS2

NM_012084.4(GLUD2):c.1495G>A (p.Gly499Ser)

Gene: GLUD2 (glutamate dehydrogenase 2; plus strand). Cytogenetic location: Xq24.
Variant type: single nucleotide variant.
Coding change: c.1495G>A on transcript NM_012084.4 (MANE Select); coding-DNA position 1495, G replaced by A.
Protein change: p.Gly499Ser; replaces glycine 499 with serine.
Molecular consequence: missense variant.
Genome position (GRCh38, 1-based): chrX:121,049,179, G>A. VCF-style: chrX-121049179-G-A. GRCh37 (hg19) VCF-style: chrX-120183033-G-A.
Other names: short protein forms G499S.
Identifiers: ClinVar variation 2661343 (VCV002661343.24), dbSNP rs758442069, ClinGen allele CA10506626.